The following is an entry in ClinVar:

ClinVar aggregate classification (germline): Uncertain significance. Review status: criteria provided, multiple submitters, no conflicts (2 of 4 stars). 4 submissions from 4 submitters: Uncertain significance (4). Last evaluated 2025-12-18.

Conditions:
Fanconi anemia complementation group U. Identifiers: MedGen C4310651, MONDO:0014987, OMIM 617247.
Hereditary cancer-predisposing syndrome. Also called: Tumor predisposition; Hereditary neoplastic syndrome; Hereditary Cancer Syndrome; Neoplastic Syndromes, Hereditary. Identifiers: Orphanet 140162, MedGen C0027672, MeSH D009386, MONDO:0015356.

Allele frequency attached by ClinVar (database versions not stated): TOPMed 0.00002; gnomAD exomes 0.00002; ESP Exome Variant Server 0.00008; gnomAD 0.00003.
gnomAD v4.1: 9 of 1,613,976 alleles (0.00056%); highest among the groups gnomAD compares: African/African-American, 0.004%; no homozygotes.

Submissions (4):

Ambry Genetics
Classification: Uncertain significance for Hereditary cancer-predisposing syndrome. Last evaluated: 2025-12-18. Review status: criteria provided, single submitter. Criteria: Ambry Variant Classification Scheme 2023. Collection method: clinical testing. Allele origin: germline.
Comment: The p.S203L variant (also known as c.608C>T), located in coding exon 3 of the XRCC2 gene, results from a C to T substitution at nucleotide position 608. The serine at codon 203 is replaced by leucine, an amino acid with dissimilar properties. This amino acid position is poorly conserved in available vertebrate species. In addition, this alteration is predicted to be tolerated by in silico analysis. Since supporting evidence is limited at this time, the clinical significance of this alteration remains unclear.

Labcorp Genetics (formerly Invitae), Labcorp
Classification: Uncertain significance. Last evaluated: 2024-01-11. Review status: criteria provided, single submitter. Criteria: Invitae Variant Classification Sherloc (09022015). Collection method: clinical testing. Allele origin: germline.
Comment: This sequence change replaces serine, which is neutral and polar, with leucine, which is neutral and non-polar, at codon 203 of the XRCC2 protein (p.Ser203Leu). This variant is present in population databases (rs143856570, gnomAD 0.006%). This variant has not been reported in the literature in individuals affected with XRCC2-related conditions. ClinVar contains an entry for this variant (Variation ID: 240162). Advanced modeling of protein sequence and biophysical properties (such as structural, functional, and spatial information, amino acid conservation, physicochemical variation, residue mobility, and thermodynamic stability) performed at Invitae indicates that this missense variant is not expected to disrupt XRCC2 protein function with a negative predictive value of 80%. In summary, the available evidence is currently insufficient to determine the role of this variant in disease. Therefore, it has been classified as a Variant of Uncertain Significance.

Quest Diagnostics Nichols Institute San Juan Capistrano
Classification: Uncertain significance. Last evaluated: 2022-12-28. Review status: criteria provided, single submitter. Criteria: Quest Diagnostics criteria. Collection method: clinical testing. Allele origin: unknown.
Comment: The frequency of this variant in the general population, 0.000016 (4/251386 chromosomes), is uninformative in assessment of its pathogenicity. In the published literature, the variant has been reported in individuals with breast cancer in a breast cancer association study (PMID: 33471991 (2021), see also LOVD). Analysis of this variant using bioinformatics tools for the prediction of the effect of amino acid changes on protein structure and function yielded predictions that this variant is benign. Based on the available information, we are unable to determine the clinical significance of this variant.

Mendelics
Classification: Uncertain significance for Fanconi anemia complementation group U. Last evaluated: 2019-05-28. Review status: criteria provided, single submitter. Criteria: Mendelics Assertion Criteria 2017. Collection method: clinical testing. Allele origin: unknown.

Literature cited by the submitters: PubMed 33471991 (cited by Quest Diagnostics Nichols Institute San Juan Capistrano).

NM_005431.2(XRCC2):c.608C>T (p.Ser203Leu)

Gene: XRCC2 (X-ray repair cross complementing 2; minus strand). Cytogenetic location: 7q36.1.
Variant type: single nucleotide variant.
Coding change: c.608C>T on transcript NM_005431.2 (MANE Select); coding-DNA position 608, C replaced by T.
Protein change: p.Ser203Leu; replaces serine 203 with leucine.
Molecular consequence: missense variant.
Genome position (GRCh38, 1-based): chr7:152,648,877, G>A on the plus strand (C>T on the coding strand, the complement: XRCC2 is on the minus strand). VCF-style: chr7-152648877-G-A. GRCh37 (hg19) VCF-style: chr7-152345962-G-A.
Other names: short protein forms S203L.
Identifiers: ClinVar variation 240162 (VCV000240162.20), dbSNP rs143856570, ClinGen allele CA10582474.